The following is an entry in ClinVar:

ClinVar aggregate classification (germline): Uncertain significance (1 of 4 stars; one submission).

Submission:

Labcorp Genetics (formerly Invitae), Labcorp
Classification: Uncertain significance. Last evaluated: 2024-03-09. Review status: criteria provided, single submitter. Criteria: Invitae Variant Classification Sherloc (09022015). Collection method: clinical testing. Allele origin: germline.
Comment: This sequence change replaces glutamic acid, which is acidic and polar, with lysine, which is basic and polar, at codon 147 of the IHH protein (p.Glu147Lys). This variant is not present in population databases (gnomAD no frequency). This variant has not been reported in the literature in individuals affected with IHH-related conditions. Advanced modeling of protein sequence and biophysical properties (such as structural, functional, and spatial information, amino acid conservation, physicochemical variation, residue mobility, and thermodynamic stability) performed at Invitae indicates that this missense variant is expected to disrupt IHH protein function with a positive predictive value of 80%. In summary, the available evidence is currently insufficient to determine the role of this variant in disease. Therefore, it has been classified as a Variant of Uncertain Significance.

NM_002181.4(IHH):c.439G>A (p.Glu147Lys)

Gene: IHH (Indian hedgehog signaling molecule; minus strand). Cytogenetic location: 2q35.
Variant type: single nucleotide variant.
Coding change: c.439G>A on transcript NM_002181.4 (MANE Select); coding-DNA position 439, G replaced by A.
Protein change: p.Glu147Lys; replaces glutamic acid 147 with lysine.
Molecular consequence: missense variant.
Genome position (GRCh38, 1-based): chr2:219,057,571, C>T on the plus strand (G>A on the coding strand, the complement: IHH is on the minus strand). VCF-style: chr2-219057571-C-T. GRCh37 (hg19) VCF-style: chr2-219922293-C-T.
Other names: short protein forms E147K.
Identifiers: ClinVar variation 3645254 (VCV003645254.2).